The following is an entry in ClinVar:

NM_015443.4(KANSL1):c.2569G>A (p.Glu857Lys)

Gene: KANSL1 (KAT8 regulatory NSL complex subunit 1). Cytogenetic location: 17q21.31.
Variant type: single nucleotide variant.
Coding change: c.2569G>A on transcript NM_015443.4 (MANE Select); coding-DNA position 2569, G replaced by A.
Protein change: p.Glu857Lys; replaces glutamic acid 857 with lysine.
Molecular consequence: missense variant.
Genome position (GRCh38, 1-based): chr17:46,034,258, C>T on the plus strand (G>A on the coding strand, the complement: KANSL1 is on the minus strand). VCF-style: chr17-46034258-C-T. GRCh37 (hg19) VCF-style: chr17-44111624-C-T.
Other names: c.2566G>A, p.Glu856Lys (NM_001193465.2); c.2569G>A, p.Glu857Lys (NM_001193466.2, NM_001379198.1); short protein forms E856K, E857K.
Identifiers: ClinVar variation 1303282 (VCV001303282.2), dbSNP rs2146325036, ClinGen allele CA399989646.
Genomic context (GRCh38, chr17:46,034,258, plus strand): 5'-CGCGAGTTGTTGCAGCAACAGACATTGGGATGACAATGTTGTTAATATCAAATGAGCTCT[C>T]TCCCCTTCTCCTCCTTACTGGCTGCTGCTGTAAGATAAAAATTAAGTTTAAAAGGAAGGT-3'
Protein context (NP_056258.1, residues 847-867): SQQPVRRRRG[Glu857Lys]SSFDINNIVI

ClinVar aggregate classification (germline): Uncertain significance (1 of 4 stars; one submission).

Allele frequency attached by ClinVar (database versions not stated): gnomAD exomes below 0.00001.
gnomAD v4.1: 2 of 1,614,006 alleles (0.00012%); highest among the groups gnomAD compares: Non-Finnish European, 0.00017%; no homozygotes.

Submission:

GeneDx
Classification: Uncertain significance. Last evaluated: 2020-02-21. Review status: criteria provided, single submitter. Criteria: GeneDx Variant Classification Process June 2021. Collection method: clinical testing. Allele origin: germline. Affected: yes.
Comment: Not observed in large population cohorts (Lek et al., 2016); In silico analysis supports that this missense variant has a deleterious effect on protein structure/function; Missense variant in a gene in which most reported pathogenic variants are truncating/loss-of-function; Located in a region that tolerates variation and lacks pathogenic variants; Has not been previously published as pathogenic or benign to our knowledge